The following is an entry in ClinVar:

NC_000005.10:g.112707420C>A

Gene: APC (APC regulator of Wnt signaling pathway; plus strand). Cytogenetic location: 5q22.2.
Variant type: single nucleotide variant.
Genome position: GRCh38 VCF-style: chr5-112707420-C-A. GRCh37 (hg19) VCF-style: chr5-112043117-C-A.
Identifiers: ClinVar variation 1002324 (VCV001002324.10), dbSNP rs1427438975, ClinGen allele CA1573442279.

ClinVar aggregate classification (germline): Uncertain significance (1 of 4 stars; one submission).

Conditions:
Familial adenomatous polyposis 1 (FAP1). Also called: FAMILIAL ADENOMATOUS POLYPOSIS 1, ATTENUATED; POLYPOSIS, ADENOMATOUS INTESTINAL. Identifiers: MedGen C2713442, MONDO:0021056, OMIM 175100. Disease mechanism: loss of function.

Submission:

Labcorp Genetics (formerly Invitae), Labcorp
Classification: Uncertain significance for Familial adenomatous polyposis 1. Last evaluated: 2022-08-28. Review status: criteria provided, single submitter. Criteria: Invitae Variant Classification Sherloc (09022015). Collection method: clinical testing. Allele origin: germline.
Comment: In summary, the available evidence is currently insufficient to determine the role of this variant in disease. Therefore, it has been classified as a Variant of Uncertain Significance. Experimental studies and prediction algorithms are not available or were not evaluated, and the functional significance of this variant is currently unknown. This variant has not been reported in the literature in individuals affected with APC-related conditions. This variant occurs in a non-coding region of the APC gene. It does not change the encoded amino acid sequence of the APC protein. This variant is not present in population databases (gnomAD no frequency).